The following is an entry in ClinVar:

ClinVar aggregate classification (germline): Uncertain significance (1 of 4 stars; one submission).

Submission:

GeneDx
Classification: Uncertain significance. Last evaluated: 2014-09-02. Review status: criteria provided, single submitter. Criteria: GeneDx Variant Classification (06012015). Collection method: clinical testing. Allele origin: germline. Affected: yes.
Comment: p.Leu34Phe (CTC>TTC): c.100 C>T in exon 1 of the ISCU gene (NM_213595.2). The L34F variant has not been published as a mutation, nor has it been reported as a benign polymorphism to our knowledge. The L34F variant is a conservative amino acid substitution, which is not likely to impact secondary protein structure as these residues share similar properties. This substitution occurs at a position that is highly conserved across species. In silico analysis is inconsistent in its predictions as to whether or not the variant is damaging to the protein structure/function. Therefore, based on the currently available information, it is unclear whether this variant is a pathogenic mutation or a rare benign variant. The variant is found in MITONUC-MITOP panel(s).

NM_213595.4(ISCU):c.100C>T (p.Leu34Phe)

Genes: ISCU (iron-sulfur cluster assembly enzyme; plus strand), LOC130008688 (ATAC-STARR-seq lymphoblastoid silent region 4828; plus strand). Cytogenetic location: 12q23.3.
Variant type: single nucleotide variant.
Coding change: c.100C>T on transcript NM_213595.4 (MANE Select); coding-DNA position 100, C replaced by T.
Protein change: p.Leu34Phe; replaces leucine 34 with phenylalanine.
Molecular consequence: missense variant. On other transcripts: 5 prime UTR variant (1), non-coding transcript variant (1).
Genome position (GRCh38, 1-based): chr12:108,562,722, C>T. VCF-style: chr12-108562722-C-T. GRCh37 (hg19) VCF-style: chr12-108956498-C-T.
Other names: p.L34F:CTC>TTC; c.100C>T, p.Leu34Phe (NM_001301140.1, NM_001301141.1, NM_001320042.1); c.-72C>T (NM_014301.4); short protein forms L34F.
Identifiers: ClinVar variation 214556 (VCV000214556.2), dbSNP rs863224044, ClinGen allele CA323278.